The following is an entry in ClinVar:

NM_006431.3(CCT2):c.154C>A (p.Leu52Ile)

Gene: CCT2 (chaperonin containing TCP1 subunit 2; plus strand). Cytogenetic location: 12q15.
Variant type: single nucleotide variant.
Coding change: c.154C>A on transcript NM_006431.3 (MANE Select); coding-DNA position 154, C replaced by A.
Protein change: p.Leu52Ile; replaces leucine 52 with isoleucine.
Molecular consequence: missense variant.
Genome position (GRCh38, 1-based): chr12:69,587,514, C>A. VCF-style: chr12-69587514-C-A. GRCh37 (hg19) VCF-style: chr12-69981294-C-A.
Other names: c.13C>A, p.Leu5Ile (NM_001198842.2); short protein forms L5I, L52I.
Identifiers: ClinVar variation 4717292 (VCV004717292.1).
Genomic context (GRCh38, chr12:69,587,514, plus strand): 5'-TTCTTCAAGATGTGCTTATGTCTTAACTTGAACCAATTATGTTCCCTTTAGGACAAAATT[C>A]TTCTAAGCAGTGGACGAGATGCCTCTCTTATGGTAACCAATGATGGTGCCACTATTCTAA-3'
Protein context (NP_006422.1, residues 42-62): TLGPKGMDKI[Leu52Ile]LSSGRDASLM

ClinVar aggregate classification (germline): Uncertain significance (1 of 4 stars; one submission).

Submission:

Labcorp Genetics (formerly Invitae), Labcorp
Classification: Uncertain significance. Last evaluated: 2025-04-11. Review status: criteria provided, single submitter. Criteria: Invitae Variant Classification Sherloc (09022015). Collection method: clinical testing. Allele origin: germline.
Comment: This sequence change replaces leucine, which is neutral and non-polar, with isoleucine, which is neutral and non-polar, at codon 52 of the CCT2 protein (p.Leu52Ile). This variant is present in population databases (no rsID available, gnomAD 0.0009%). This variant has not been reported in the literature in individuals affected with CCT2-related conditions. An algorithm developed to predict the effect of missense changes on protein structure and function (PolyPhen-2) suggests that this variant is likely to be disruptive. In summary, the available evidence is currently insufficient to determine the role of this variant in disease. Therefore, it has been classified as a Variant of Uncertain Significance.